The following is an entry in ClinVar:

NM_005654.6(NR2F1):c.256T>C (p.Cys86Arg)

Genes: NR2F1 (nuclear receptor subfamily 2 group F member 1; plus strand), NR2F1-AS1 (NR2F1 regulatory antisense RNA 1; minus strand). Cytogenetic location: 5q15.
Variant type: single nucleotide variant.
Coding change: c.256T>C on transcript NM_005654.6 (MANE Select); coding-DNA position 256, T replaced by C.
Protein change: p.Cys86Arg; replaces cysteine 86 with arginine.
Molecular consequence: missense variant.
Genome position (GRCh38, 1-based): chr5:93,585,279, T>C. VCF-style: chr5-93585279-T-C. GRCh37 (hg19) VCF-style: chr5-92920985-T-C.
Other names: short protein forms C86R.
Identifiers: ClinVar variation 928681 (VCV000928681.2), dbSNP rs1753210329, ClinGen allele CA360525861.

ClinVar aggregate classification (germline): Pathogenic/Likely pathogenic. Review status: criteria provided, multiple submitters, no conflicts (2 of 4 stars). 2 submissions from 2 submitters: Pathogenic (1); Likely pathogenic (1). Last evaluated 2025-01-01.

Conditions:
Bosch-Boonstra-Schaaf optic atrophy syndrome (BBSOAS). Also called: NR2F1-Related Neurodevelopmental Disorder. Identifiers: Orphanet 401777, MedGen C3810363, MONDO:0014320, OMIM 615722.

Submissions (2):

Center of Human Genetics, Hôpital Erasme
Classification: Pathogenic for Bosch-Boonstra-Schaaf optic atrophy syndrome. Last evaluated: 2025-01-01. Review status: criteria provided, single submitter. Criteria: ACMG Guidelines, 2015. Collection method: clinical testing. Allele origin: de novo. Affected: yes.

Women's Health and Genetics/Laboratory Corporation of America, LabCorp
Classification: Likely pathogenic for Bosch-Boonstra-Schaaf optic atrophy syndrome. Last evaluated: 2019-05-24. Review status: criteria provided, single submitter. Criteria: LabCorp Variant Classification Summary - May 2015. Collection method: clinical testing. Allele origin: germline.
Comment: Variant summary: NR2F1 c.256T>C (p.Cys86Arg) results in a non-conservative amino acid change located in the Zinc finger, nuclear hormone receptor-type domain (IPR001628) of the encoded protein sequence. Five of five in-silico tools predict a damaging effect of the variant on protein function (PP3). The variant was absent in 227252 control chromosomes (gnomAD, PM2). To our knowledge, no occurrence of c.256T>C in individuals affected with Bosch-Boonstra-Schaaf optic atrophy syndrome (BBSOAS) and no experimental evidence demonstrating its impact on protein function have been reported. A variant at the same codon as the variant of interest causing a change of Cys to Phe (p.Cys86Phe) has been reported in an affected individual (Kaiwar_2017). Furthermore, missense pathogenic variants in the same protein domain as p.Cys86Arg have been reported in individuals with BBSOAS (Chen_2016) and also, cited in ClinVar; this indicating the functional importance of the Zinc finger, nuclear hormone receptor-type domain. No clinical diagnostic laboratories have submitted clinical-significance assessments for this variant to ClinVar after 2014. Based on the evidence outlined above and the fact that the variant was detected as a confirmed de novo occurrence in a patient with the disease and no family history (PS2), the variant was classified as likely pathogenic.

Literature cited by the submitters: PubMed 26986877 (cited by Women's Health and Genetics/Laboratory Corporation of America, LabCorp); PubMed 28963436 (cited by Women's Health and Genetics/Laboratory Corporation of America, LabCorp).